The following is an entry in ClinVar:

ClinVar aggregate classification (germline): Benign/Likely benign. Review status: criteria provided, multiple submitters, no conflicts (2 of 4 stars). 3 submissions from 3 submitters: Benign (1); Likely benign (2). Last evaluated 2024-07-17.

Conditions:
Hereditary cancer-predisposing syndrome. Also called: Neoplastic Syndromes, Hereditary; Tumor predisposition; Hereditary Cancer Syndrome; Hereditary neoplastic syndrome. Identifiers: Orphanet 140162, MedGen C0027672, MeSH D009386, MONDO:0015356.
BAP1-related tumor predisposition syndrome (TPDS1). Also called: Tumor susceptibility linked to germline BAP1 mutations; COMMON Syndrome; TUMOR PREDISPOSITION SYNDROME 1; BAP1 tumor predisposition syndrome. Identifiers: Orphanet 289539, MedGen C3280492, MONDO:0013692, OMIM 614327.

Submissions (3):

Myriad Genetics, Inc.
Classification: Benign for BAP1-related tumor predisposition syndrome. Last evaluated: 2024-07-17. Review status: criteria provided, single submitter. Criteria: Myriad Autosomal Dominant, Autosomal Recessive and X-Linked Classification Criteria (2023). Collection method: clinical testing. Allele origin: unknown.
Comment: This variant is considered benign. This variant is a silent/synonymous amino acid change and it is not expected to impact splicing.

Labcorp Genetics (formerly Invitae), Labcorp
Classification: Likely benign for BAP1-related tumor predisposition syndrome. Last evaluated: 2022-08-23. Review status: criteria provided, single submitter. Criteria: Invitae Variant Classification Sherloc (09022015). Collection method: clinical testing. Allele origin: germline.

Color Diagnostics, LLC DBA Color Health
Classification: Likely benign for Hereditary cancer-predisposing syndrome. Last evaluated: 2019-04-26. Review status: criteria provided, single submitter. Criteria: ACMG Guidelines, 2015. Collection method: clinical testing. Allele origin: germline.

NM_004656.4(BAP1):c.1830A>G (p.Arg610=)

Gene: BAP1 (BRCA1 associated deubiquitinase 1; minus strand). Cytogenetic location: 3p21.1.
Variant type: single nucleotide variant.
Coding change: c.1830A>G on transcript NM_004656.4 (MANE Select); coding-DNA position 1830, A replaced by G.
Protein change: p.Arg610=; no amino-acid change (arginine 610 retained).
Molecular consequence: synonymous variant.
Genome position (GRCh38, 1-based): chr3:52,403,198, T>C on the plus strand (A>G on the coding strand, the complement: BAP1 is on the minus strand). VCF-style: chr3-52403198-T-C. GRCh37 (hg19) VCF-style: chr3-52437214-T-C.
Identifiers: ClinVar variation 921348 (VCV000921348.8), dbSNP rs1705023193, ClinGen allele CA433885896.
Genomic context (GRCh38, chr3:52,403,198, plus strand): 5'-CTTGGGTGAGTATTTCTCCCCACTCAAGGGCTCGCCAGGCCTCACCATCCCCGTCTTCTC[T>C]CTGCTGTCCGTGGCTTCCACGACCTCCTTCTCCACTGGGCTGCTGGACCCCTGGCTGCCT-3'
Protein context (NP_004647.1, residues 600-620): EKEVVEATDS[Arg610=]EKTGMVRPGE